The following is an entry in ClinVar:

ClinVar aggregate classification (germline): Uncertain significance (1 of 4 stars; one submission).

Conditions:
Danon disease. Also called: ANTOPOL DISEASE; PSEUDOGLYCOGENOSIS II; GSD IIb; LYSOSOMAL GLYCOGEN STORAGE DISEASE WITHOUT ACID MALTASE DEFICIENCY; Glycogen Storage Disease Type IIb. Identifiers: Orphanet 34587, MedGen C0878677, MONDO:0010281, OMIM 300257.

Allele frequency attached by ClinVar (database versions not stated): ExAC 0.00001.

Submission:

Labcorp Genetics (formerly Invitae), Labcorp
Classification: Uncertain significance for Danon disease. Last evaluated: 2024-01-27. Review status: criteria provided, single submitter. Criteria: Invitae Variant Classification Sherloc (09022015). Collection method: clinical testing. Allele origin: germline.
Comment: This sequence change replaces valine, which is neutral and non-polar, with alanine, which is neutral and non-polar, at codon 392 of the LAMP2 protein (p.Val392Ala). This variant is present in population databases (rs778382193, gnomAD 0.001%), including at least one homozygous and/or hemizygous individual. This variant has not been reported in the literature in individuals affected with LAMP2-related conditions. Advanced modeling of protein sequence and biophysical properties (such as structural, functional, and spatial information, amino acid conservation, physicochemical variation, residue mobility, and thermodynamic stability) performed at Invitae indicates that this missense variant is expected to disrupt LAMP2 protein function with a positive predictive value of 80%. In summary, the available evidence is currently insufficient to determine the role of this variant in disease. Therefore, it has been classified as a Variant of Uncertain Significance.

NM_002294.3(LAMP2):c.1175T>C (p.Val392Ala)

Gene: LAMP2 (lysosome associated membrane protein 2; minus strand). Cytogenetic location: Xq24.
Variant type: single nucleotide variant.
Coding change: c.1175T>C on transcript NM_002294.3 (MANE Select); coding-DNA position 1175, T replaced by C.
Protein change: p.Val392Ala; replaces valine 392 with alanine.
Molecular consequence: missense variant. On other transcripts: intron variant (1).
Genome position (GRCh38, 1-based): chrX:120,431,381, A>G on the plus strand (T>C on the coding strand, the complement: LAMP2 is on the minus strand). VCF-style: chrX-120431381-A-G. GRCh37 (hg19) VCF-style: chrX-119565236-A-G.
Other names: c.1094-2755T>C (NM_001122606.1); short protein forms V392A.
Identifiers: ClinVar variation 3000297 (VCV003000297.3), dbSNP rs778382193, ClinGen allele CA10505169.